The following is an entry in ClinVar:

NM_001128840.3(CACNA1D):c.3939C>G (p.Ile1313Met)

Gene: CACNA1D (calcium voltage-gated channel subunit alpha1 D; plus strand). Cytogenetic location: 3p21.1.
Variant type: single nucleotide variant.
Coding change: c.3939C>G on transcript NM_001128840.3 (MANE Select); coding-DNA position 3939, C replaced by G.
Protein change: p.Ile1313Met; replaces isoleucine 1313 with methionine.
Molecular consequence: missense variant.
Genome position (GRCh38, 1-based): chr3:53,770,447, C>G. VCF-style: chr3-53770447-C-G. GRCh37 (hg19) VCF-style: chr3-53804474-C-G.
Other names: c.3999C>G, p.Ile1333Met (NM_000720.4); c.3894C>G, p.Ile1298Met (NM_001128839.3); short protein forms I1298M, I1313M, I1333M.
Identifiers: ClinVar variation 2504906 (VCV002504906.1), dbSNP rs2095360243, ClinGen allele CA353257365.

ClinVar aggregate classification (germline): Uncertain significance (1 of 4 stars; one submission).

Submission:

GeneDx
Classification: Uncertain significance. Last evaluated: 2022-12-12. Review status: criteria provided, single submitter. Criteria: GeneDx Variant Classification Process June 2021. Collection method: clinical testing. Allele origin: germline. Affected: yes.
Comment: Not observed at significant frequency in large population cohorts (gnomAD); In silico analysis supports that this missense variant has a deleterious effect on protein structure/function; Has not been previously published as pathogenic or benign to our knowledge